The following is an entry in ClinVar:

ClinVar aggregate classification (germline): Likely benign. Review status: criteria provided, multiple submitters, no conflicts (2 of 4 stars). 5 submissions from 5 submitters: Likely benign (4). 1 of the submissions does not count toward it. Last evaluated 2026-01-20.

Conditions:
FANCA-related disorder. Also called: FANCA-related condition.
Inborn genetic diseases. Identifiers: MedGen C0950123, MeSH D030342.
Fanconi anemia (FA). Also called: Fanconi's anemia. Identifiers: Orphanet 84, MedGen C0015625, MeSH D005199, MONDO:0019391.

Allele frequency attached by ClinVar (database versions not stated): gnomAD exomes 0.00003 and 0.00006; ExAC 0.00006; 1000 Genomes Project 30x 0.00016; 1000 Genomes Project 0.00020; ESP Exome Variant Server 0.00023; TOPMed 0.00026; gnomAD 0.00027 and 0.00030.
gnomAD v4.1: 79 of 1,613,504 alleles (0.0049%); highest among the groups gnomAD compares: African/African-American, 0.081%; no homozygotes.

Submissions (5):

Labcorp Genetics (formerly Invitae), Labcorp
Classification: Likely benign for Fanconi anemia. Last evaluated: 2026-01-20. Review status: criteria provided, single submitter. Criteria: Invitae Variant Classification Sherloc (09022015). Collection method: clinical testing. Allele origin: germline.

Ambry Genetics
Classification: Likely benign for Inborn genetic diseases. Last evaluated: 2024-11-20. Review status: criteria provided, single submitter. Criteria: Ambry Variant Classification Scheme 2023. Collection method: clinical testing. Allele origin: germline.

Blueprint Genetics
Classification: Likely benign. Last evaluated: 2022-04-21. Review status: criteria provided, single submitter. Criteria: ACMG Guidelines, 2015. Collection method: clinical testing. Allele origin: germline.

Sema4
Classification: Likely benign for Fanconi anemia. Last evaluated: 2021-09-20. Review status: criteria provided, single submitter. Criteria: Sema4 Curation Guidelines. Collection method: curation. Allele origin: germline.

PreventionGenetics, part of Exact Sciences
Classification: Likely benign for FANCA-related condition. Last evaluated: 2023-02-13. Review status: no assertion criteria provided. Collection method: clinical testing. Allele origin: germline. Not counted in ClinVar's aggregate classification.
Comment: This variant is classified as likely benign based on ACMG/AMP sequence variant interpretation guidelines (Richards et al. 2015 PMID: 25741868, with internal and published modifications).

NM_000135.4(FANCA):c.3792C>T (p.Ser1264=)

Genes: FANCA (FA complementation group A; minus strand), ZNF276 (zinc finger protein 276; plus strand). Cytogenetic location: 16q24.3.
Variant type: single nucleotide variant.
Coding change: c.3792C>T on transcript NM_000135.4 (MANE Select); coding-DNA position 3792, C replaced by T.
Protein change: p.Ser1264=; no amino-acid change (serine 1264 retained).
Molecular consequence: synonymous variant. On other transcripts: 3 prime UTR variant (2), non-coding transcript variant (4).
Genome position (GRCh38, 1-based): chr16:89,740,840, G>A on the plus strand (C>T on the coding strand, the complement: FANCA is on the minus strand). VCF-style: chr16-89740840-G-A. GRCh37 (hg19) VCF-style: chr16-89807248-G-A.
Other names: c.3792C>T, p.Ser1264= (NM_001286167.3); c.*2594G>A (NM_001113525.2, NM_152287.4).
Identifiers: ClinVar variation 526434 (VCV000526434.17), dbSNP rs141128234, ClinGen allele CA8250963.